The following is an entry in ClinVar:

NM_000051.4(ATM):c.5251del (p.Glu1751fs)

Gene: ATM (ATM serine/threonine kinase; plus strand). Cytogenetic location: 11q22.3.
Variant type: Deletion.
Coding change: c.5251del on transcript NM_000051.4 (MANE Select); coding-DNA position 5251, one base deleted (G; older notation c.5251delG).
Protein change: p.Glu1751fs; shifts the reading frame from glutamic acid 1751.
Molecular consequence: frameshift variant.
Genome position (GRCh38, 1-based): chr11:108,301,721, G deleted; the last of 3 consecutive G bases (chr11:108,301,719-108,301,721); deleting any one gives the same sequence. VCF-style (leftmost placement, unchanged base first): chr11-108301718-TG-T. GRCh37 (hg19) VCF-style: chr11-108172445-TG-T.
Other names: c.5251del, p.Glu1751fs (NM_001351834.2); short protein forms E1751fs.
Identifiers: ClinVar variation 5042372 (VCV005042372.1).
Genomic context (GRCh38, chr11:108,301,718, plus strand): 5'-CGATCAGCAGCTGTTACCTGTTTGAAAAACATTTTAGCCACAAAGACTGGACATAGTTTC[TG>T]GGAGATTTATAAGATGACAACAGATCCAATGCTGGCCTATCTACAGCCTTTTAGAACATC-3'

ClinVar aggregate classification (germline): Pathogenic (1 of 4 stars; one submission).

Conditions:
Familial cancer of breast. Also called: BREAST CANCER, FAMILIAL; Hereditary breast cancer; hereditary breast carcinoma. Identifiers: Orphanet 227535, MedGen C0346153, MONDO:0016419, OMIM 114480. Disease mechanism: loss of function.

Submission:

Myriad Genetics, Inc.
Classification: Pathogenic for Familial cancer of breast. Last evaluated: 2026-09-08. Review status: criteria provided, single submitter. Criteria: Myriad Autosomal Dominant, Autosomal Recessive and X-Linked Classification Criteria (2023). Collection method: clinical testing. Allele origin: unknown.
Comment: This variant is considered pathogenic. This variant creates a frameshift predicted to result in premature protein truncation.